The following is an entry in ClinVar:

NM_000414.4(HSD17B4):c.1333+1G>A

Gene: HSD17B4 (hydroxysteroid 17-beta dehydrogenase 4; plus strand). Cytogenetic location: 5q23.1.
Variant type: single nucleotide variant.
Coding change: c.1333+1G>A on transcript NM_000414.4 (MANE Select); the canonical splice donor site of the intron after coding-DNA position 1333, G replaced by A.
Molecular consequence: splice donor variant. On other transcripts: intron variant (1).
Genome position (GRCh38, 1-based): chr5:119,506,890, G>A. VCF-style: chr5-119506890-G-A. GRCh37 (hg19) VCF-style: chr5-118842585-G-A.
Other names: c.922+1G>A (NM_001374503.1, NM_001374502.1, NM_001374501.1); c.1408+1G>A (NM_001199291.3); c.1006+1G>A (NM_001374499.1); c.892+1G>A (NM_001374500.1); c.913+1G>A (NM_001292028.2); c.1261+1G>A (NM_001292027.2); c.1262-2251G>A (NM_001374498.1); c.1324+1G>A (NM_001374497.1); and 1 more.
Identifiers: ClinVar variation 2952811 (VCV002952811.3), dbSNP rs1369305726, ClinGen allele CA360868647.

ClinVar aggregate classification (germline): Likely pathogenic (1 of 4 stars; one submission).

Conditions:
Bifunctional peroxisomal enzyme deficiency (DBIF). Also called: DBP DEFICIENCY; PBFE DEFICIENCY; D-bifunctional protein deficiency. Identifiers: Orphanet 300, MedGen C0342870, MONDO:0009855, OMIM 261515. Disease mechanism: loss of function.
Perrault syndrome. Also called: Gonadal dysgenesis with auditory dysfunction, autosomal recessive inheritance. Identifiers: Orphanet 2855, MedGen C0685838, MONDO:0017312.

Submission:

Labcorp Genetics (formerly Invitae), Labcorp
Classification: Likely pathogenic for Perrault syndrome; Bifunctional peroxisomal enzyme deficiency. Last evaluated: 2023-10-13. Review status: criteria provided, single submitter. Criteria: Invitae Variant Classification Sherloc (09022015). Collection method: clinical testing. Allele origin: germline.
Comment: This sequence change affects a donor splice site in intron 15 of the HSD17B4 gene. It is expected to disrupt RNA splicing. Variants that disrupt the donor or acceptor splice site typically lead to a loss of protein function (PMID: 16199547), and loss-of-function variants in HSD17B4 are known to be pathogenic (PMID: 11810648, 16385454, 20673864). This variant is not present in population databases (gnomAD no frequency). Disruption of this splice site has been observed in individual(s) with Perrault syndrome (PMID: 34906502). Algorithms developed to predict the effect of sequence changes on RNA splicing suggest that this variant may disrupt the consensus splice site. In summary, the currently available evidence indicates that the variant is pathogenic, but additional data are needed to prove that conclusively. Therefore, this variant has been classified as Likely Pathogenic.

Literature cited by the submitters: PubMed 16199547; PubMed 11810648; PubMed 16385454; PubMed 20673864; PubMed 34906502.